The following is an entry in ClinVar:

ClinVar aggregate classification (germline): Uncertain significance. Review status: criteria provided, multiple submitters, no conflicts (2 of 4 stars). 2 submissions from 2 submitters: Uncertain significance (2). Last evaluated 2024-01-22.

Allele frequency attached by ClinVar (database versions not stated): gnomAD exomes 0.00002 and 0.00003; ExAC 0.00003; ESP Exome Variant Server 0.00008; TOPMed 0.00011; gnomAD 0.00014.

Submissions (2):

Labcorp Genetics (formerly Invitae), Labcorp
Classification: Uncertain significance. Last evaluated: 2024-01-22. Review status: criteria provided, single submitter. Criteria: Invitae Variant Classification Sherloc (09022015). Collection method: clinical testing. Allele origin: germline.
Comment: This sequence change creates a premature translational stop signal (p.Leu287Argfs*5) in the ELOVL5 gene. While this is not anticipated to result in nonsense mediated decay, it is expected to disrupt the last 13 amino acid(s) of the ELOVL5 protein. This variant is present in population databases (rs748688593, gnomAD 0.05%), and has an allele count higher than expected for a pathogenic variant. This variant has not been reported in the literature in individuals affected with ELOVL5-related conditions. ClinVar contains an entry for this variant (Variation ID: 916283). In summary, the available evidence is currently insufficient to determine the role of this variant in disease. Therefore, it has been classified as a Variant of Uncertain Significance.

CeGaT Center for Human Genetics Tuebingen
Classification: Uncertain significance. Last evaluated: 2020-03-01. Review status: criteria provided, single submitter. Criteria: CeGaT Center For Human Genetics Tuebingen Variant Classification Criteria Version 2. Collection method: clinical testing. Allele origin: germline. Affected: yes. Observed: 1 variant allele.

NM_021814.5(ELOVL5):c.860del (p.Leu287fs)

Gene: ELOVL5 (ELOVL fatty acid elongase 5; minus strand). Cytogenetic location: 6p12.1.
Variant type: Deletion.
Coding change: c.860del on transcript NM_021814.5 (MANE Select); coding-DNA position 860, one base deleted (T; older notation c.860delT).
Protein change: p.Leu287fs; shifts the reading frame from leucine 287.
Molecular consequence: frameshift variant.
Genome position (GRCh38, 1-based): chr6:53,269,167, A deleted on the plus strand (T on the coding strand, the reverse complement: ELOVL5 is on the minus strand). VCF-style (leftmost placement, unchanged base first): chr6-53269166-CA-C. GRCh37 (hg19) VCF-style: chr6-53133964-CA-C.
Other names: c.941del, p.Leu314fs (NM_001242828.2); c.735del, p.Gly246fs (NM_001242830.2); c.860del, p.Leu287fs (NM_001301856.2); short protein forms G246fs, L287fs, L314fs.
Identifiers: ClinVar variation 916283 (VCV000916283.42), dbSNP rs748688593, ClinGen allele CA3859605.